The following is an entry in ClinVar:

ClinVar aggregate classification (germline): Uncertain significance. Review status: criteria provided, single submitter (1 of 4 stars). 2 submissions from 2 submitters: Uncertain significance (1). 1 of the submissions does not count toward it. Last evaluated 2022-06-21.

Conditions:
DYNC1H1-related disorder. Also called: DYNC1H1-related condition; DYNC1H1-related disorders. Identifiers: MedGen CN381529.
Inborn genetic diseases. Identifiers: MedGen C0950123, MeSH D030342.

Allele frequency attached by ClinVar (database versions not stated): gnomAD exomes below 0.00001.
gnomAD v4.1: 1 of 1,614,218 alleles (0.000062%); highest among the groups gnomAD compares: South Asian, 0.0011%; no homozygotes.

Submissions (2):

Ambry Genetics
Classification: Uncertain significance for Inborn genetic diseases. Last evaluated: 2022-06-21. Review status: criteria provided, single submitter. Criteria: Ambry Variant Classification Scheme 2023. Collection method: clinical testing. Allele origin: germline.

PreventionGenetics, part of Exact Sciences
Classification: Uncertain significance for DYNC1H1-related condition. Last evaluated: 2023-12-20. Review status: no assertion criteria provided. Collection method: clinical testing. Allele origin: germline. Not counted in ClinVar's aggregate classification.
Comment: The DYNC1H1 c.7561A>G variant is predicted to result in the amino acid substitution p.Ile2521Val. To our knowledge, this variant has not been reported in the literature or in a large population database, indicating this variant is rare. At this time, the clinical significance of this variant is uncertain due to the absence of conclusive functional and genetic evidence.

NM_001376.5(DYNC1H1):c.7561A>G (p.Ile2521Val)

Gene: DYNC1H1 (dynein cytoplasmic 1 heavy chain 1; plus strand). Cytogenetic location: 14q32.31.
Variant type: single nucleotide variant.
Coding change: c.7561A>G on transcript NM_001376.5 (MANE Select); coding-DNA position 7561, A replaced by G.
Protein change: p.Ile2521Val; replaces isoleucine 2521 with valine.
Molecular consequence: missense variant.
Genome position (GRCh38, 1-based): chr14:102,016,436, A>G. VCF-style: chr14-102016436-A-G. GRCh37 (hg19) VCF-style: chr14-102482773-A-G.
Other names: short protein forms I2521V.
Identifiers: ClinVar variation 2296035 (VCV002296035.4), dbSNP rs2503770000, ClinGen allele CA391002409.